The following is an entry in ClinVar:

NM_005529.7(HSPG2):c.5351G>A (p.Arg1784His)

Gene: HSPG2 (heparan sulfate proteoglycan 2; minus strand). Cytogenetic location: 1p36.12.
Variant type: single nucleotide variant.
Coding change: c.5351G>A on transcript NM_005529.7 (MANE Select); coding-DNA position 5351, G replaced by A.
Protein change: p.Arg1784His; replaces arginine 1784 with histidine.
Molecular consequence: missense variant.
Genome position (GRCh38, 1-based): chr1:21,857,328, C>T on the plus strand (G>A on the coding strand, the complement: HSPG2 is on the minus strand). VCF-style: chr1-21857328-C-T. GRCh37 (hg19) VCF-style: chr1-22183821-C-T.
Other names: c.5354G>A, p.Arg1785His (NM_001291860.2); c.5351G>A (NM_005529.6); short protein forms R1784H, R1785H.
Identifiers: ClinVar variation 2384414 (VCV002384414.3), dbSNP rs374922688, ClinGen allele CA671954.

ClinVar aggregate classification (germline): Uncertain significance. Review status: criteria provided, multiple submitters, no conflicts (2 of 4 stars). 2 submissions from 2 submitters: Uncertain significance (2). Last evaluated 2025-07-24.

Conditions:
Inborn genetic diseases. Identifiers: MedGen C0950123, MeSH D030342.
HSPG2-related disorder. Also called: HSPG2-related disorders; HSPG2-related condition.

Allele frequency attached by ClinVar (database versions not stated): ExAC 0.00002; gnomAD exomes 0.00002; gnomAD 0.00006; TOPMed 0.00006; ESP Exome Variant Server 0.00008.
gnomAD v4.1: 44 of 1,613,928 alleles (0.0027%); highest among the groups gnomAD compares: Middle Eastern, 0.016%; no homozygotes.

Submissions (2):

PreventionGenetics, part of Exact Sciences
Classification: Uncertain significance for HSPG2-related condition. Last evaluated: 2025-07-24. Review status: criteria provided, single submitter. Criteria: ACMG Guidelines, 2015. Collection method: clinical testing. Allele origin: germline.
Comment: The HSPG2 c.5351G>A variant is predicted to result in the amino acid substitution p.Arg1784His. To our knowledge, this variant has not been reported in the literature. This variant is reported in 0.0040% of alleles in individuals of African descent in gnomAD. At this time, the clinical significance of this variant is uncertain due to the absence of conclusive functional and genetic evidence.

Ambry Genetics
Classification: Uncertain significance for Inborn genetic diseases. Last evaluated: 2021-10-12. Review status: criteria provided, single submitter. Criteria: Ambry Variant Classification Scheme 2023. Collection method: clinical testing. Allele origin: germline.